The following is an entry in ClinVar:

ClinVar aggregate classification (germline): Uncertain significance. Review status: criteria provided, multiple submitters, no conflicts (2 of 4 stars). 2 submissions from 2 submitters: Uncertain significance (2). Last evaluated 2025-07-28.

Conditions:
Hyperkalemic periodic paralysis. Also called: Familial hyperkalemic periodic paralysis; Gamstorp disease. Identifiers: Orphanet 682, MedGen C0238357, MONDO:0008224, OMIM 170500, HP:0007215.
Inborn genetic diseases. Identifiers: MedGen C0950123, MeSH D030342.

Allele frequency attached by ClinVar (database versions not stated): gnomAD 0.00002; TOPMed 0.00002; ExAC 0.00005; ESP Exome Variant Server 0.00008.
gnomAD v4.1: 27 of 1,613,814 alleles (0.0017%); highest among the groups gnomAD compares: Admixed American, 0.0067%; no homozygotes.

Submissions (2):

Labcorp Genetics (formerly Invitae), Labcorp
Classification: Uncertain significance for Hyperkalemic periodic paralysis. Last evaluated: 2025-07-28. Review status: criteria provided, single submitter. Criteria: Invitae Variant Classification Sherloc (09022015). Collection method: clinical testing. Allele origin: germline.
Comment: This sequence change replaces aspartic acid, which is acidic and polar, with glutamic acid, which is acidic and polar, at codon 1628 of the SCN4A protein (p.Asp1628Glu). This variant is present in population databases (rs369860177, gnomAD 0.005%). This variant has not been reported in the literature in individuals affected with SCN4A-related conditions. ClinVar contains an entry for this variant (Variation ID: 2055360). Invitae Evidence Modeling of protein sequence and biophysical properties (such as structural, functional, and spatial information, amino acid conservation, physicochemical variation, residue mobility, and thermodynamic stability) indicates that this missense variant is expected to disrupt SCN4A protein function with a positive predictive value of 95%. In summary, the available evidence is currently insufficient to determine the role of this variant in disease. Therefore, it has been classified as a Variant of Uncertain Significance.

Ambry Genetics
Classification: Uncertain significance for Inborn genetic diseases. Last evaluated: 2025-06-23. Review status: criteria provided, single submitter. Criteria: Ambry Variant Classification Scheme 2023. Collection method: clinical testing. Allele origin: germline.

NM_000334.4(SCN4A):c.4884C>A (p.Asp1628Glu)

Genes: GH-LCR (growth hormone locus control region; plus strand), SCN4A (sodium voltage-gated channel alpha subunit 4; minus strand). Cytogenetic location: 17q23.3.
Variant type: single nucleotide variant.
Coding change: c.4884C>A on transcript NM_000334.4 (MANE Select); coding-DNA position 4884, C replaced by A.
Protein change: p.Asp1628Glu; replaces aspartic acid 1628 with glutamic acid.
Molecular consequence: missense variant.
Genome position (GRCh38, 1-based): chr17:63,941,398, G>T on the plus strand (C>A on the coding strand, the complement: SCN4A is on the minus strand). VCF-style: chr17-63941398-G-T. GRCh37 (hg19) VCF-style: chr17-62018758-G-T.
Other names: short protein forms D1628E.
Identifiers: ClinVar variation 2055360 (VCV002055360.5), dbSNP rs369860177, ClinGen allele CA8708886.